The following is an entry in ClinVar:

ClinVar aggregate classification (germline): Likely pathogenic (1 of 4 stars; one submission).

Submission:

ARUP Laboratories, Molecular Genetics and Genomics, ARUP Laboratories
Classification: Likely pathogenic. Review status: criteria provided, single submitter. Criteria: ARUP Molecular Germline Variant Investigation Process 2024. Collection method: clinical testing. Allele origin: germline.
Comment: The APOB c.5148del; p.Met1717Ter variant is not reported in the medical literature. This variant is absent from the Genome Aggregation Database (v2.1.1), indicating it is not a common polymorphism. This variant causes a frameshift by deleting a single nucleotide, so it is predicted to result in a truncated protein or mRNA subject to nonsense-mediated decay. Based on available information, this variant is considered to be likely pathogenic.

NM_000384.3(APOB):c.5148del (p.Ala1716_Met1717insTer)

Gene: APOB (apolipoprotein B; minus strand). Cytogenetic location: 2p24.1.
Variant type: Deletion.
Coding change: c.5148del on transcript NM_000384.3 (MANE Select); coding-DNA position 5148, one base deleted (C; older notation c.5148delC).
Protein change: p.Ala1716_Met1717insTer.
Molecular consequence: frameshift variant.
Genome position (GRCh38, 1-based): chr2:21,011,720, G deleted on the plus strand (C on the coding strand, the reverse complement: APOB is on the minus strand); the first of 2 consecutive G bases (chr2:21,011,720-21,011,721); deleting either gives the same sequence. VCF-style (leftmost placement, unchanged base first): chr2-21011719-TG-T. GRCh37 (hg19) VCF-style: chr2-21234591-TG-T.
Identifiers: ClinVar variation 4686062 (VCV004686062.1).